The following is an entry in ClinVar:

NM_001286577.2(C2CD3):c.8A>C (p.Gln3Pro)

Gene: C2CD3 (C2 domain containing 3 centriole elongation regulator; minus strand). Cytogenetic location: 11q13.4.
Variant type: single nucleotide variant.
Coding change: c.8A>C on transcript NM_001286577.2 (MANE Select); coding-DNA position 8, A replaced by C.
Protein change: p.Gln3Pro; replaces glutamine 3 with proline.
Molecular consequence: missense variant.
Genome position (GRCh38, 1-based): chr11:74,170,785, T>G on the plus strand (A>C on the coding strand, the complement: C2CD3 is on the minus strand). VCF-style: chr11-74170785-T-G. GRCh37 (hg19) VCF-style: chr11-73881830-T-G.
Other names: c.8A>C (NM_015531.4); c.8A>C, p.Gln3Pro (NM_015531.6); short protein forms Q3P.
Identifiers: ClinVar variation 1050686 (VCV001050686.8), dbSNP rs370689810, ClinGen allele CA6183337.

ClinVar aggregate classification (germline): Uncertain significance. Review status: criteria provided, multiple submitters, no conflicts (2 of 4 stars). 3 submissions from 3 submitters: Uncertain significance (2). 1 of the submissions does not count toward it. Last evaluated 2024-09-06.

Conditions:
Inborn genetic diseases. Identifiers: MedGen C0950123, MeSH D030342.

Allele frequency attached by ClinVar (database versions not stated): ExAC 0.00001; gnomAD exomes 0.00001; gnomAD 0.00004; TOPMed 0.00005; ESP Exome Variant Server 0.00008.
gnomAD v4.1: 10 of 1,614,070 alleles (0.00062%); highest among the groups gnomAD compares: African/African-American, 0.012%; no homozygotes.

Submissions (3):

Ambry Genetics
Classification: Uncertain significance for Inborn genetic diseases. Last evaluated: 2024-09-06. Review status: criteria provided, single submitter. Criteria: Ambry Variant Classification Scheme 2023. Collection method: clinical testing. Allele origin: germline.

Labcorp Genetics (formerly Invitae), Labcorp
Classification: Uncertain significance. Last evaluated: 2022-07-05. Review status: criteria provided, single submitter. Criteria: Invitae Variant Classification Sherloc (09022015). Collection method: clinical testing. Allele origin: germline.
Comment: Algorithms developed to predict the effect of missense changes on protein structure and function are either unavailable or do not agree on the potential impact of this missense change (SIFT: "Deleterious"; PolyPhen-2: "Not Available"; Align-GVGD: "Class C0"). ClinVar contains an entry for this variant (Variation ID: 1050686). This variant has not been reported in the literature in individuals affected with C2CD3-related conditions. This variant is present in population databases (rs370689810, gnomAD 0.02%). This sequence change replaces glutamine, which is neutral and polar, with proline, which is neutral and non-polar, at codon 3 of the C2CD3 protein (p.Gln3Pro). In summary, the available evidence is currently insufficient to determine the role of this variant in disease. Therefore, it has been classified as a Variant of Uncertain Significance.

Department of Pathology and Laboratory Medicine, Sinai Health System
Classification: Uncertain significance. Review status: no assertion criteria provided. Collection method: clinical testing. Allele origin: unknown. Affected: yes. Study: The Canadian Open Genetics Repository (COGR). Not counted in ClinVar's aggregate classification.
Comment: The C2CD3 p.Gln3Pro variant was not identified in the literature nor was it identified in ClinVar or LOVD 3.0. The variant was identified in dbSNP (ID: rs370689810) and in control databases in 5 of 282808 chromosomes at a frequency of 0.00001768 (Genome Aggregation Database March 6, 2019, v2.1.1). The variant was observed in the following populations: African in 4 of 24956 chromosomes (freq: 0.00016) and Latino in 1 of 35440 chromosomes (freq: 0.000028), but was not observed in the Ashkenazi Jewish, East Asian, European (Finnish), European (non-Finnish), Other, or South Asian populations. The p.Gln3Pro residue is conserved in mammals and computational analyses (PolyPhen-2, SIFT, AlignGVGD, BLOSUM, MutationTaster) provide inconsistent predictions regarding the impact to the protein; this information is not very predictive of pathogenicity. The variant occurs outside of the splicing consensus sequence and in silico or computational prediction software programs (SpliceSiteFinder, MaxEntScan, NNSPLICE, GeneSplicer) do not predict a difference in splicing. In summary, based on the above information the clinical significance of this variant cannot be determined with certainty at this time. This variant is classified as a variant of uncertain significance.